The following is an entry in ClinVar:

NM_000038.6(APC):c.8441_8444del (p.Lys2814fs)

Gene: APC (APC regulator of Wnt signaling pathway; plus strand). Cytogenetic location: 5q22.2.
Variant type: Deletion.
Coding change: c.8441_8444del on transcript NM_000038.6 (MANE Select); coding-DNA positions 8441 to 8444, 4 bases deleted (AGAA; older notation c.8441_8444delAGAA).
Protein change: p.Lys2814fs; shifts the reading frame from lysine 2814.
Molecular consequence: frameshift variant.
Genome position (GRCh38, 1-based): chr5:112,844,035-112,844,038, AGAA deleted; deleting any 4 consecutive bases within chr5:112,844,033-112,844,038 gives the same sequence; the c. name uses the placement nearest the transcript's 3' end. VCF-style (leftmost placement, unchanged base first): chr5-112844032-CAAAG-C. GRCh37 (hg19) VCF-style: chr5-112179729-CAAAG-C.
Other names: c.8441_8444del (NM_000038.5); c.8441_8444del, p.Lys2814fs (NM_001127510.3, NM_001354895.2); c.8387_8390del, p.Lys2796fs (NM_001127511.3); c.8495_8498del, p.Lys2832fs (NM_001354896.2); c.8471_8474del, p.Lys2824fs (NM_001354897.2); c.8366_8369del, p.Lys2789fs (NM_001354898.2); c.8357_8360del, p.Lys2786fs (NM_001354899.2); c.8318_8321del, p.Lys2773fs (NM_001354900.2); and 6 more; short protein forms K2688fs, K2713fs, K2796fs, K2786fs, K2789fs, K2755fs, K2531fs, K2654fs.
Identifiers: ClinVar variation 245889 (VCV000245889.27), dbSNP rs879253985, ClinGen allele CA3368173.

ClinVar aggregate classification (germline): Uncertain significance. Review status: criteria provided, multiple submitters, no conflicts (2 of 4 stars). 10 submissions from 10 submitters: Uncertain significance (10). Last evaluated 2025-12-17.

Conditions:
Classic or attenuated familial adenomatous polyposis. Identifiers: MedGen CN372698, MONDO:0021057.
Hereditary cancer-predisposing syndrome. Also called: Hereditary Cancer Syndrome; Tumor predisposition; Hereditary neoplastic syndrome; Neoplastic Syndromes, Hereditary. Identifiers: Orphanet 140162, MedGen C0027672, MeSH D009386, MONDO:0015356.
Familial adenomatous polyposis 1 (FAP1). Also called: FAMILIAL ADENOMATOUS POLYPOSIS 1, ATTENUATED; POLYPOSIS, ADENOMATOUS INTESTINAL. Identifiers: MedGen C2713442, MONDO:0021056, OMIM 175100. Disease mechanism: loss of function.

Submissions (10):

Labcorp Genetics (formerly Invitae), Labcorp
Classification: Uncertain significance for Familial adenomatous polyposis 1. Last evaluated: 2025-12-17. Review status: criteria provided, single submitter. Criteria: Invitae Variant Classification Sherloc (09022015). Collection method: clinical testing. Allele origin: germline.
Comment: This sequence change creates a premature translational stop signal (p.Lys2814Serfs*26) in the APC gene. While this is not anticipated to result in nonsense mediated decay, it is expected to disrupt the last 30 amino acid(s) of the APC protein. This variant is present in population databases (rs765424268, gnomAD 0.0009%). This premature translational stop signal has been observed in individual(s) with biliary cancer (PMID: 26556299). ClinVar contains an entry for this variant (Variation ID: 245889). Experimental studies and prediction algorithms are not available or were not evaluated, and the functional significance of this variant is currently unknown. In summary, the available evidence is currently insufficient to determine the role of this variant in disease. Therefore, it has been classified as a Variant of Uncertain Significance.

Color Diagnostics, LLC DBA Color Health
Classification: Uncertain significance for Hereditary cancer-predisposing syndrome. Last evaluated: 2025-11-24. Review status: criteria provided, single submitter. Criteria: ACMG Guidelines, 2015. Collection method: clinical testing. Allele origin: germline.
Comment: This variant deletes 4 nucleotides in exon 16 of the APC gene, creating a frameshift and premature translation stop signal. This mutant transcript is predicted to escape nonsense-mediated decay and be expressed as a truncated protein. To our knowledge, this variant has not been reported in individuals affected with APC-related disorders in the literature. This variant has been identified in 5/1602624 chromosomes in the general population by the Genome Aggregation Database (gnomAD). Loss of APC function is a known mechanism of disease. The available evidence is insufficient to determine the role of this variant in disease conclusively. Therefore, this variant is classified as a Variant of Uncertain Significance.

Quest Diagnostics Nichols Institute San Juan Capistrano
Classification: Uncertain significance. Last evaluated: 2025-10-20. Review status: criteria provided, single submitter. Criteria: Quest Diagnostics criteria. Collection method: clinical testing. Allele origin: unknown.
Comment: The APC c.8441_8444del (p.Lys2814Serfs*26) variant (also known as c.8439_8442delAAAG) in the APC gene. This frameshift variant creates a premature stop codon in the last exon of the APC gene, where it is not expected to trigger nonsense-mediated decay of the affected transcript. This variant results in the loss of the last 30 amino acids (approximately 1%) of the APC protein, and its effect on protein function is uncertain. In the published literature, this variant has been reported in an individual with biliary cancer (PMID: 26556299 (2016)). The frequency of this variant in the general population (Genome Aggregation Database) is uninformative in the assessment of its pathogenicity. Based on the available information, we are unable to determine the clinical significance of this variant.

Ambry Genetics
Classification: Uncertain significance for Hereditary cancer-predisposing syndrome. Last evaluated: 2025-04-04. Review status: criteria provided, single submitter. Criteria: Ambry Variant Classification Scheme 2023. Collection method: clinical testing. Allele origin: germline.
Comment: The c.8441_8444delAGAA variant, located in coding exon 15 of the APC gene, results from a deletion of 4 nucleotides at nucleotide positions 8441 to 8444, causing a translational frameshift with a predicted alternate stop codon (p.K2814Sfs*26). This alteration occurs at the 3' terminus of theAPC gene, is not expected to trigger nonsense-mediated mRNAdecay, and impacts the last 30 amino acids of the protein. The exact functional effect of this alteration is unknown. This variant, designated c.8439_8442delAAAG, has been previously identified in the germline and tumor of an individual with biliary carcinoma, but polyp history was not provided (Schrader KA et al. JAMA Oncol. 2016 Jan;2(1):104-11). This variant was detected as heterozygous in individual(s) with no reported features of familial adenomatous polyposis (Ambry internal data). Based on the available evidence, the clinical significance of this variant remains unclear.

GeneDx
Classification: Uncertain significance. Last evaluated: 2024-12-05. Review status: criteria provided, single submitter. Criteria: GeneDx Variant Classification Process June 2021. Collection method: clinical testing. Allele origin: germline. Affected: yes.
Comment: Frameshift variant predicted to result in abnormal protein length as the last 30 amino acids are replaced with 25 different amino acids; Observed in an individual with biliary tract cancer (PMID: 26556299); Not observed at significant frequency in large population cohorts (gnomAD); Also known as c.8439_8442delAAAG; This variant is associated with the following publications: (PMID: 26556299, 18199528)

Blueprint Genetics
Classification: Uncertain significance. Last evaluated: 2024-01-16. Review status: criteria provided, single submitter. Criteria: ACMG Guidelines, 2015. Collection method: clinical testing. Allele origin: germline.

All of Us Research Program, National Institutes of Health
Classification: Uncertain significance for Classic or attenuated familial adenomatous polyposis. Last evaluated: 2023-09-05. Review status: criteria provided, single submitter. Criteria: ACMG Guidelines, 2015. Collection method: clinical testing. Allele origin: germline. Inheritance: Autosomal dominant inheritance. Observed: 1 variant allele, 1 heterozygote.
Comment: This variant deletes 4 nucleotides in exon 16 of the APC gene, creating a frameshift and premature translation stop signal in the last coding exon. This mutant transcript is predicted to escape nonsense-mediated decay and be expressed as a truncated protein. To our knowledge, functional studies have not been reported for this variant. This variant has been reported in an individual affected with biliary cancer (PMID: 26556299). This variant has also been identified in 2/237876 chromosomes in the general population by the Genome Aggregation Database (gnomAD). The available evidence is insufficient to determine the role of this C-terminal truncation variant in disease conclusively. Therefore, this variant is classified as a Variant of Uncertain Significance.

This study involves interpretation of variants in research participants for the purpose of population health screening. Participant phenotype was not available at the time of variant classification. Additional details can be found in publication PMID: 35346344, PMCID: PMC8962531

Baylor Genetics
Classification: Uncertain significance for Familial adenomatous polyposis 1. Last evaluated: 2023-06-07. Review status: criteria provided, single submitter. Criteria: ACMG Guidelines, 2015. Collection method: clinical testing. Allele origin: unknown.

Department of Pathology and Laboratory Medicine, Sinai Health System
Classification: Uncertain significance for classic or attenuated familial adenomatous polyposis. Last evaluated: 2022-06-28. Review status: criteria provided, single submitter. Criteria: ACMG Guidelines, 2015. Collection method: clinical testing. Allele origin: germline. Affected: yes.

Women's Health and Genetics/Laboratory Corporation of America, LabCorp
Classification: Uncertain significance. Last evaluated: 2016-04-25. Review status: criteria provided, single submitter. Criteria: LabCorp Variant Classification Summary - May 2015. Collection method: clinical testing. Allele origin: germline.
Comment: Variant summary: The c.8441_8444delAGAA (p.Lys2814Serfs) variant results in a premature termination codon, predicted to cause a truncated protein, which is a commonly known mechanism for disease. However, the variant affects an amino acid that is located 29 amino acids from the end of the protein coding region of the gene, and creates a premature termination 26 amino acids downstream, therefore the effect of this variant may be reduced considering its location. The variant was observed in the large and broad cohorts of the ExAC project at an allele frequency of 0.0008% which does not exceed the maximal expected allele frequency for a pathogenic variant in APC (0.006%). The variant of interest has not, to our knowledge, been reported in affected individuals via publications and/or reputable databases/clinical laboratories; nor evaluated for functional impact by in vivo/vitro studies. Because of the absence of clinical information and the lack of functional studies, the variant was classified as a variant of uncertain significance (VUS) until additional information becomes available.

Literature cited by the submitters: PubMed 26556299 (cited by 4 submitters).